The following is an entry in ClinVar:

ClinVar aggregate classification (germline): Uncertain significance (1 of 4 stars; one submission).

Conditions:
Inborn genetic diseases. Identifiers: MedGen C0950123, MeSH D030342.

Submission:

Ambry Genetics
Classification: Uncertain significance for Inborn genetic diseases. Last evaluated: 2023-04-07. Review status: criteria provided, single submitter. Criteria: Ambry Variant Classification Scheme 2023. Collection method: clinical testing. Allele origin: germline.
Comment: The p.L890P variant (also known as c.2669T>C), located in coding exon 20 of the BUB1B gene, results from a T to C substitution at nucleotide position 2669. The leucine at codon 890 is replaced by proline, an amino acid with similar properties. This amino acid position is conserved. In addition, this alteration is predicted to be deleterious by in silico analysis. Since supporting evidence is limited at this time, the clinical significance of this alteration remains unclear.

NM_001211.6(BUB1B):c.2669T>C (p.Leu890Pro)

Gene: BUB1B (BUB1 mitotic checkpoint serine/threonine kinase B; plus strand). Cytogenetic location: 15q15.1.
Variant type: single nucleotide variant.
Coding change: c.2669T>C on transcript NM_001211.6 (MANE Select); coding-DNA position 2669, T replaced by C.
Protein change: p.Leu890Pro; replaces leucine 890 with proline.
Molecular consequence: missense variant.
Genome position (GRCh38, 1-based): chr15:40,213,465, T>C. VCF-style: chr15-40213465-T-C. GRCh37 (hg19) VCF-style: chr15-40505666-T-C.
Other names: short protein forms L890P.
Identifiers: ClinVar variation 2565448 (VCV002565448.2), dbSNP rs1271669859, ClinGen allele CA391686606.